The following is an entry in ClinVar:

NM_000245.4(MET):c.312A>C (p.Lys104Asn)

Gene: MET (MET proto-oncogene, receptor tyrosine kinase; plus strand). Cytogenetic location: 7q31.2.
Variant type: single nucleotide variant.
Coding change: c.312A>C on transcript NM_000245.4 (MANE Select); coding-DNA position 312, A replaced by C.
Protein change: p.Lys104Asn; replaces lysine 104 with asparagine.
Molecular consequence: missense variant. On other transcripts: intron variant (1).
Genome position (GRCh38, 1-based): chr7:116,699,396, A>C. VCF-style: chr7-116699396-A-C. GRCh37 (hg19) VCF-style: chr7-116339450-A-C.
Other names: c.312A>C, p.Lys104Asn (NM_001127500.3, NM_001324401.3); c.-91+26819A>C (NM_001324402.2); short protein forms K104N.
Identifiers: ClinVar variation 1429268 (VCV001429268.9), dbSNP rs1554378412, ClinGen allele CA368968801.

ClinVar aggregate classification (germline): Conflicting classifications of pathogenicity. Review status: criteria provided, conflicting classifications (1 of 4 stars). 2 submissions from 2 submitters: Uncertain significance (1); Likely benign (1). Last evaluated 2026-05-29.

Conditions:
Renal cell carcinoma. Identifiers: Orphanet 217071, MedGen C0007134, MeSH D002292, MONDO:0005086, HP:0005584.
Hereditary cancer-predisposing syndrome. Also called: Tumor predisposition; Neoplastic Syndromes, Hereditary; Hereditary Cancer Syndrome; Hereditary neoplastic syndrome. Identifiers: Orphanet 140162, MedGen C0027672, MeSH D009386, MONDO:0015356.

Submissions (2):

Ambry Genetics
Classification: Likely benign for Hereditary cancer-predisposing syndrome. Last evaluated: 2026-05-29. Review status: criteria provided, single submitter. Criteria: Ambry Variant Classification Scheme 2023. Collection method: clinical testing. Allele origin: germline.

Labcorp Genetics (formerly Invitae), Labcorp
Classification: Uncertain significance for Renal cell carcinoma. Last evaluated: 2024-11-26. Review status: criteria provided, single submitter. Criteria: Invitae Variant Classification Sherloc (09022015). Collection method: clinical testing. Allele origin: germline.
Comment: This sequence change replaces lysine, which is basic and polar, with asparagine, which is neutral and polar, at codon 104 of the MET protein (p.Lys104Asn). This variant is not present in population databases (gnomAD no frequency). This variant has not been reported in the literature in individuals affected with MET-related conditions. ClinVar contains an entry for this variant (Variation ID: 1429268). Invitae Evidence Modeling of protein sequence and biophysical properties (such as structural, functional, and spatial information, amino acid conservation, physicochemical variation, residue mobility, and thermodynamic stability) indicates that this missense variant is not expected to disrupt MET protein function with a negative predictive value of 80%. In summary, the available evidence is currently insufficient to determine the role of this variant in disease. Therefore, it has been classified as a Variant of Uncertain Significance.